The following is an entry in ClinVar:

ClinVar aggregate classification (germline): Benign (1 of 4 stars; one submission).

Allele frequency attached by ClinVar (database versions not stated): gnomAD 0.24211 and 0.24296; TOPMed 0.25627; 1000 Genomes Project 0.31390; 1000 Genomes Project 30x 0.32105.
gnomAD v4.1: 36,722 of 152,128 alleles (24%); highest among the groups gnomAD compares: African/African-American, 45%; 5,959 homozygotes.

Submission:

GeneDx
Classification: Benign. Last evaluated: 2018-06-14. Review status: criteria provided, single submitter. Criteria: GeneDx Variant Classification (06012015). Collection method: clinical testing. Allele origin: germline. Affected: yes.
Comment: This variant is considered likely benign or benign based on one or more of the following criteria: it is a conservative change, it occurs at a poorly conserved position in the protein, it is predicted to be benign by multiple in silico algorithms, and/or has population frequency not consistent with disease.

NM_000070.3(CAPN3):c.499-162T>C

Gene: CAPN3 (calpain 3; plus strand). Cytogenetic location: 15q15.1.
Variant type: single nucleotide variant.
Coding change: c.499-162T>C on transcript NM_000070.3 (MANE Select); 162 bases into the intron before coding-DNA position 499, T replaced by C.
Molecular consequence: intron variant.
Genome position (GRCh38, 1-based): chr15:42,387,591, T>C. VCF-style: chr15-42387591-T-C. GRCh37 (hg19) VCF-style: chr15-42679789-T-C.
Other names: c.499-162T>C (NM_024344.2, NM_173087.2).
Identifiers: ClinVar variation 678270 (VCV000678270.1), dbSNP rs751572, ClinGen allele CA15834428.